The following is an entry in ClinVar:

ClinVar aggregate classification (germline): Uncertain significance (1 of 4 stars; one submission).

Conditions:
Intellectual developmental disorder, autosomal dominant 56. Also called: MENTAL RETARDATION, AUTOSOMAL DOMINANT 56; Intellectual disability, autosomal dominant 56. Identifiers: MedGen C4693389, MONDO:0030922, OMIM 617854.

Submission:

Institute of Human Genetics, University of Leipzig Medical Center
Classification: Uncertain significance for Intellectual developmental disorder, autosomal dominant 56. Last evaluated: 2025-03-04. Review status: criteria provided, single submitter. Criteria: ACMG Guidelines, 2015. Collection method: clinical testing. Allele origin: unknown. Inheritance: Autosomal dominant inheritance. Affected: yes.
Comment: Criteria applied: PM2,PP2

NM_004859.4(CLTC):c.3091A>G (p.Thr1031Ala)

Gene: CLTC (clathrin heavy chain; plus strand). Cytogenetic location: 17q23.1.
Variant type: single nucleotide variant.
Coding change: c.3091A>G on transcript NM_004859.4 (MANE Select); coding-DNA position 3091, A replaced by G.
Protein change: p.Thr1031Ala; replaces threonine 1031 with alanine.
Molecular consequence: missense variant.
Genome position (GRCh38, 1-based): chr17:59,681,320, A>G. VCF-style: chr17-59681320-A-G. GRCh37 (hg19) VCF-style: chr17-57758681-A-G.
Other names: c.3103A>G, p.Thr1035Ala (NM_001288653.2); short protein forms T1031A, T1035A.
Identifiers: ClinVar variation 3773715 (VCV003773715.2).